The following is an entry in ClinVar:

ClinVar aggregate classification (germline): Conflicting classifications of pathogenicity. Review status: criteria provided, conflicting classifications (1 of 4 stars). 3 submissions from 3 submitters: Uncertain significance (1); Likely benign (2). Last evaluated 2025-08-19.

Conditions:
Tuberous sclerosis 2 (TSC2). Identifiers: Orphanet 805, MedGen C1860707, MONDO:0013199, OMIM 613254.

Submissions (3):

Athena Diagnostics
Classification: Uncertain significance. Last evaluated: 2025-08-19. Review status: criteria provided, single submitter. Criteria: Athena Diagnostics Criteria. Collection method: clinical testing. Allele origin: unknown.
Comment: Available data are insufficient to determine the clinical significance of the variant at this time. This variant has not been reported in large, multi-ethnic general populations. Computational tools yielded predictions that this variant is unlikely to have an effect on normal RNA splicing.

Labcorp Genetics (formerly Invitae), Labcorp
Classification: Likely benign for Tuberous sclerosis 2. Last evaluated: 2025-08-06. Review status: criteria provided, single submitter. Criteria: Invitae Variant Classification Sherloc (09022015). Collection method: clinical testing. Allele origin: germline.

Myriad Genetics, Inc.
Classification: Likely benign for Tuberous sclerosis 2. Last evaluated: 2025-04-30. Review status: criteria provided, single submitter. Criteria: Myriad Autosomal Dominant, Autosomal Recessive and X-Linked Classification Criteria (2023). Collection method: clinical testing. Allele origin: unknown.
Comment: This variant is considered likely benign. This variant is intronic and is not expected to impact mRNA splicing.

NM_000548.5(TSC2):c.139-9_139-8delinsCT

Gene: TSC2 (TSC complex subunit 2; plus strand). Cytogenetic location: 16p13.3.
Variant type: Indel.
Coding change: c.139-9_139-8delinsCT on transcript NM_000548.5 (MANE Select); 9 bases into the intron before coding-DNA position 139 through 8 bases into the intron before coding-DNA position 139, TC replaced by CT.
Molecular consequence: intron variant.
Genome position (GRCh38, 1-based): chr16:2,050,391-2,050,392, TC replaced by CT. VCF-style: chr16-2050391-TC-CT. GRCh37 (hg19) VCF-style: chr16-2100392-TC-CT.
Other names: c.139-9_139-8delinsCT (NM_001114382.3, NM_021055.3, NM_001370405.1 and 5 more transcripts); c.-88-9_-88-8delinsCT (NM_001318831.2); c.-9-9_-9-8delinsCT (NM_001318829.2); c.172-9_172-8delinsCT (NM_001318832.2).
Identifiers: ClinVar variation 1108781 (VCV001108781.11), dbSNP rs2150994742, ClinGen allele CA2499223268.